The following is an entry in ClinVar:

NM_004972.4(JAK2):c.2882G>C (p.Cys961Ser)

Genes: INSL6 (insulin like 6; minus strand), JAK2 (Janus kinase 2; plus strand). Cytogenetic location: 9p24.1.
Variant type: single nucleotide variant.
Coding change: c.2882G>C on transcript NM_004972.4 (MANE Select); coding-DNA position 2882, G replaced by C.
Protein change: p.Cys961Ser; replaces cysteine 961 with serine.
Molecular consequence: missense variant. On other transcripts: non-coding transcript variant (2).
Genome position (GRCh38, 1-based): chr9:5,090,566, G>C. VCF-style: chr9-5090566-G-C. GRCh37 (hg19) VCF-style: chr9-5090566-G-C.
Other names: c.2882G>C, p.Cys961Ser (NM_001322194.2, NM_001322195.2, NM_001322196.2); c.1667G>C, p.Cys556Ser (NM_001322198.2, NM_001322199.2); c.2435G>C, p.Cys812Ser (NM_001322204.2); c.2882G>C (NM_004972.3); short protein forms C961S, C812S, C556S.
Identifiers: ClinVar variation 134554 (VCV000134554.2), dbSNP rs587778410, ClinGen allele CA160168.

ClinVar aggregate classification (germline): Uncertain significance. Review status: criteria provided, single submitter (1 of 4 stars). 2 submissions from 2 submitters: Uncertain significance (1). 1 of the submissions does not count toward it. Last evaluated 2024-07-27.

Conditions:
Inborn genetic diseases. Identifiers: MedGen C0950123, MeSH D030342.

Allele frequency attached by ClinVar (database versions not stated): gnomAD 0.00003; TOPMed 0.00003.

Submissions (2):

Ambry Genetics
Classification: Uncertain significance for Inborn genetic diseases. Last evaluated: 2024-07-27. Review status: criteria provided, single submitter. Criteria: Ambry Variant Classification Scheme 2023. Collection method: clinical testing. Allele origin: germline.

ITMI
No classification provided. Condition: AllHighlyPenetrant. Last evaluated: 2013-09-19. Review status: no classification provided. Collection method: reference population. Allele origin: germline. Not counted in ClinVar's aggregate classification.
Comment: Please see associated publication for description of ethnicities

Literature cited by the submitters: PubMed 24728327 (cited by ITMI).